The following is an entry in ClinVar:

NM_002838.5(PTPRC):c.2122A>G (p.Ile708Val)

Gene: PTPRC (protein tyrosine phosphatase receptor type C; plus strand). Cytogenetic location: 1q32.1.
Variant type: single nucleotide variant.
Coding change: c.2122A>G on transcript NM_002838.5 (MANE Select); coding-DNA position 2122, A replaced by G.
Protein change: p.Ile708Val; replaces isoleucine 708 with valine.
Molecular consequence: missense variant.
Genome position (GRCh38, 1-based): chr1:198,732,536, A>G. VCF-style: chr1-198732536-A-G. GRCh37 (hg19) VCF-style: chr1-198701665-A-G.
Other names: c.2116A>G (NM_002838.3); c.1639A>G, p.Ile547Val (NM_080921.4); short protein forms I708V, I547V.
Identifiers: ClinVar variation 1038738 (VCV001038738.7), dbSNP rs760430276, ClinGen allele CA1315000.

ClinVar aggregate classification (germline): Uncertain significance. Review status: criteria provided, multiple submitters, no conflicts (2 of 4 stars). 2 submissions from 2 submitters: Uncertain significance (2). Last evaluated 2024-06-17.

Conditions:
Inborn genetic diseases. Identifiers: MedGen C0950123, MeSH D030342.
Immunodeficiency 104. Also called: SCID, AUTOSOMAL RECESSIVE, T CELL-NEGATIVE, B CELL-POSITIVE, NK CELL-POSITIVE; Severe combined immunodeficiency, autosomal recessive, T cell-negative, B cell-positive, NK cell-positive; Severe Combined Immune Deficiency, Autosomal Recessive, TCell -Negative, B Cell-Positive, NK Cell-Positive, IL7R-Related; IMMUNODEFICIENCY 104, SEVERE COMBINED. Identifiers: MedGen C5676890, MONDO:0012163, OMIM 608971.

Allele frequency attached by ClinVar (database versions not stated): ExAC 0.00001; gnomAD 0.00001; gnomAD exomes 0.00001; TOPMed 0.00004.
gnomAD v4.1: 13 of 1,609,694 alleles (0.00081%); highest among the groups gnomAD compares: Admixed American, 0.0017%; no homozygotes.

Submissions (2):

Ambry Genetics
Classification: Uncertain significance for Inborn genetic diseases. Last evaluated: 2024-06-17. Review status: criteria provided, single submitter. Criteria: Ambry Variant Classification Scheme 2023. Collection method: clinical testing. Allele origin: germline.

Labcorp Genetics (formerly Invitae), Labcorp
Classification: Uncertain significance for Immunodeficiency 104. Last evaluated: 2022-03-19. Review status: criteria provided, single submitter. Criteria: Invitae Variant Classification Sherloc (09022015). Collection method: clinical testing. Allele origin: germline.
Comment: This sequence change replaces isoleucine, which is neutral and non-polar, with valine, which is neutral and non-polar, at codon 708 of the PTPRC protein (p.Ile708Val). This variant is present in population databases (rs760430276, gnomAD 0.002%). This variant has not been reported in the literature in individuals affected with PTPRC-related conditions. ClinVar contains an entry for this variant (Variation ID: 1038738). Algorithms developed to predict the effect of missense changes on protein structure and function are either unavailable or do not agree on the potential impact of this missense change (SIFT: "Deleterious"; PolyPhen-2: "Probably Damaging"; Align-GVGD: "Class C0"). In summary, the available evidence is currently insufficient to determine the role of this variant in disease. Therefore, it has been classified as a Variant of Uncertain Significance.